The following is an entry in ClinVar:

ClinVar aggregate classification (germline): Pathogenic. Review status: criteria provided, multiple submitters, no conflicts (2 of 4 stars). 2 submissions from 2 submitters: Pathogenic (2). Last evaluated 2026-03-12.

Conditions:
Xeroderma pigmentosum, group C (XPC). Also called: XPC-Related Xeroderma Pigmentosum; Xeroderma pigmentosum, complementation group C; XERODERMA PIGMENTOSUM III; XP, GROUP C. Identifiers: Orphanet 910, MedGen C2752147, MONDO:0010211, OMIM 278720.

Allele frequency attached by ClinVar (database versions not stated): gnomAD exomes below 0.00001.

Submissions (2):

Myriad Genetics, Inc.
Classification: Pathogenic for Xeroderma pigmentosum, group C. Last evaluated: 2026-03-12. Review status: criteria provided, single submitter. Criteria: Myriad Autosomal Dominant, Autosomal Recessive and X-Linked Classification Criteria (2023). Collection method: clinical testing. Allele origin: unknown.
Comment: NM_004628.4(XPC):c.615dupA(H206Tfs*17) is a frameshift variant classified as pathogenic in the context of xeroderma pigmentosum group C. H206Tfs*17 has not been observed in cases with relevant disease. Relevant functional assessments of this variant are not available in the literature. H206Tfs*17 has been observed in referenced population frequency databases. In summary, NM_004628.4(XPC):c.615dupA(H206Tfs*17) is a frameshift variant in a gene where loss of function is a known mechanism of disease and is predicted to disrupt protein function. Please note: this variant was assessed in the context of healthy population screening.

Labcorp Genetics (formerly Invitae), Labcorp
Classification: Pathogenic. Last evaluated: 2023-11-15. Review status: criteria provided, single submitter. Criteria: Invitae Variant Classification Sherloc (09022015). Collection method: clinical testing. Allele origin: germline.
Comment: This sequence change creates a premature translational stop signal (p.His206Thrfs*17) in the XPC gene. It is expected to result in an absent or disrupted protein product. Loss-of-function variants in XPC are known to be pathogenic (PMID: 23173980, 25256075). This variant is present in population databases (no rsID available, gnomAD 0.0009%). This variant has not been reported in the literature in individuals affected with XPC-related conditions. For these reasons, this variant has been classified as Pathogenic.

Literature cited by the submitters: PubMed 23173980 (cited by Labcorp Genetics (formerly Invitae), Labcorp); PubMed 25256075 (cited by Labcorp Genetics (formerly Invitae), Labcorp).

NM_004628.5(XPC):c.615dup (p.His206fs)

Gene: XPC (XPC complex subunit, DNA damage recognition and repair factor; minus strand). Cytogenetic location: 3p25.1.
Variant type: Duplication.
Coding change: c.615dup on transcript NM_004628.5 (MANE Select); coding-DNA position 615, one base duplicated (A; older notation c.615dupA).
Protein change: p.His206fs; shifts the reading frame from histidine 206.
Molecular consequence: frameshift variant. On other transcripts: non-coding transcript variant (2).
Genome position (GRCh38, 1-based): chr3:14,167,175, T duplicated on the plus strand (A on the coding strand, the reverse complement: XPC is on the minus strand). VCF-style (leftmost placement, unchanged base first): chr3-14167174-G-GT. GRCh37 (hg19) VCF-style: chr3-14208674-G-GT.
Other names: c.36dup, p.His13fs (NM_001354726.2); c.615dup, p.His206fs (NM_001354727.2, NM_001354730.2); c.597dup, p.His200fs (NM_001354729.2); short protein forms H13fs, H200fs, H206fs.
Identifiers: ClinVar variation 2751621 (VCV002751621.4), dbSNP rs1183971719, ClinGen allele CA541301460.